The following is an entry in ClinVar:

ClinVar aggregate classification (germline): Likely benign (1 of 4 stars; one submission).

Submission:

GeneDx
Classification: Likely benign. Last evaluated: 2018-05-17. Review status: criteria provided, single submitter. Criteria: GeneDx Variant Classification (06012015). Collection method: clinical testing. Allele origin: germline. Affected: yes.
Comment: This variant is considered likely benign or benign based on one or more of the following criteria: it is a conservative change, it occurs at a poorly conserved position in the protein, it is predicted to be benign by multiple in silico algorithms, and/or has population frequency not consistent with disease.

NM_005787.6(ALG3):c.114G>A (p.Glu38=)

Gene: ALG3 (ALG3 alpha-1,3- mannosyltransferase; minus strand). Cytogenetic location: 3q27.1.
Variant type: single nucleotide variant.
Coding change: c.114G>A on transcript NM_005787.6 (MANE Select); coding-DNA position 114, G replaced by A.
Protein change: p.Glu38=; no amino-acid change (glutamic acid 38 retained).
Molecular consequence: synonymous variant. On other transcripts: non-coding transcript variant (2), intron variant (1).
Genome position (GRCh38, 1-based): chr3:184,248,827, C>T on the plus strand (G>A on the coding strand, the complement: ALG3 is on the minus strand). VCF-style: chr3-184248827-C-T. GRCh37 (hg19) VCF-style: chr3-183966615-C-T.
Other names: c.52+399G>A (NM_001006941.2).
Identifiers: ClinVar variation 682552 (VCV000682552.1), dbSNP rs1436377696, ClinGen allele CA437327530.